The following is an entry in ClinVar:

ClinVar aggregate classification (germline): Uncertain significance (1 of 4 stars; one submission).

Submission:

Labcorp Genetics (formerly Invitae), Labcorp
Classification: Uncertain significance. Last evaluated: 2024-08-31. Review status: criteria provided, single submitter. Criteria: Invitae Variant Classification Sherloc (09022015). Collection method: clinical testing. Allele origin: germline.
Comment: This sequence change replaces lysine, which is basic and polar, with arginine, which is basic and polar, at codon 80 of the EIF2AK2 protein (p.Lys80Arg). This variant is not present in population databases (gnomAD no frequency). This variant has not been reported in the literature in individuals affected with EIF2AK2-related conditions. An algorithm developed to predict the effect of missense changes on protein structure and function outputs the following: PolyPhen-2: "Possibly Damaging". The arginine amino acid residue is found in multiple mammalian species, which suggests that this missense change does not adversely affect protein function. In summary, the available evidence is currently insufficient to determine the role of this variant in disease. Therefore, it has been classified as a Variant of Uncertain Significance.

NM_001135651.3(EIF2AK2):c.239A>G (p.Lys80Arg)

Gene: EIF2AK2 (eukaryotic translation initiation factor 2 alpha kinase 2; minus strand). Cytogenetic location: 2p22.2.
Variant type: single nucleotide variant.
Coding change: c.239A>G on transcript NM_001135651.3 (MANE Select); coding-DNA position 239, A replaced by G.
Protein change: p.Lys80Arg; replaces lysine 80 with arginine.
Molecular consequence: missense variant.
Genome position (GRCh38, 1-based): chr2:37,146,854, T>C on the plus strand (A>G on the coding strand, the complement: EIF2AK2 is on the minus strand). VCF-style: chr2-37146854-T-C. GRCh37 (hg19) VCF-style: chr2-37373997-T-C.
Other names: c.239A>G, p.Lys80Arg (NM_001135652.3, NM_002759.4); short protein forms K80R.
Identifiers: ClinVar variation 3662590 (VCV003662590.2).
Genomic context (GRCh38, chr2:37,146,854, plus strand): 5'-GAGAAACAGAAAATGTATTTGCAAGTTCCCATTTATTAGGAAAAAAGGCAATCACTCACC[T>C]TCTTTTCCTTATTAAGTATCTCAACAGCTAATTTGGCTGCGGCATTTTTTGCTTCCTTCT-3'
Protein context (NP_001129123.1, residues 70-90): LAVEILNKEK[Lys80Arg]AVSPLLLTTT